The following is an entry in ClinVar:

NM_001042492.3(NF1):c.1261-20T>A

Gene: NF1 (neurofibromin 1; plus strand). Cytogenetic location: 17q11.2.
Variant type: single nucleotide variant.
Coding change: c.1261-20T>A on transcript NM_001042492.3 (MANE Select); 20 bases into the intron before coding-DNA position 1261, T replaced by A.
Molecular consequence: intron variant.
Genome position (GRCh38, 1-based): chr17:31,206,220, T>A. VCF-style: chr17-31206220-T-A. GRCh37 (hg19) VCF-style: chr17-29533238-T-A.
Other names: c.1261-20T>A (NM_000267.4, NM_001128147.3).
Identifiers: ClinVar variation 1498467 (VCV001498467.9), dbSNP rs2143913090, ClinGen allele CA2573153603.

ClinVar aggregate classification (germline): Uncertain significance. Review status: criteria provided, multiple submitters, no conflicts (2 of 4 stars). 2 submissions from 2 submitters: Uncertain significance (2). Last evaluated 2023-07-27.

Conditions:
Neurofibromatosis, type 1 (NF1). Also called: VON RECKLINGHAUSEN DISEASE; NEUROFIBROMATOSIS, TYPE I, SOMATIC; Peripheral type neurofibromatosis; Neurofibromatosis, type I. Identifiers: Orphanet 636, MedGen C0027831, MONDO:0018975, OMIM 162200. Disease mechanism: loss of function.

Submissions (2):

3billion
Classification: Uncertain significance for Neurofibromatosis, type 1. Last evaluated: 2023-07-27. Review status: criteria provided, single submitter. Criteria: ACMG Guidelines, 2015. Collection method: clinical testing. Allele origin: germline. Affected: yes.
Comment: The variant is not observed in the gnomAD v2.1.1 dataset. Predicted Consequence/Location: Intron variant In silico tools predict the variant to alter splicing and produce an abnormal transcript (SpliceAI: 1.00). Therefore, this variant is classified as VUS according to the recommendation of ACMG/AMP guideline.

Labcorp Genetics (formerly Invitae), Labcorp
Classification: Uncertain significance for Neurofibromatosis, type 1. Last evaluated: 2021-07-02. Review status: criteria provided, single submitter. Criteria: Invitae Variant Classification Sherloc (09022015). Collection method: clinical testing. Allele origin: germline.
Comment: This sequence change falls in intron 11 of the NF1 gene. It does not directly change the encoded amino acid sequence of the NF1 protein. This variant is not present in population databases (ExAC no frequency). This variant has not been reported in the literature in individuals affected with NF1-related conditions. Algorithms developed to predict the effect of sequence changes on RNA splicing suggest that this variant may create or strengthen a splice site. In summary, the available evidence is currently insufficient to determine the role of this variant in disease. Therefore, it has been classified as a Variant of Uncertain Significance.